The following is an entry in ClinVar:

NM_005633.4(SOS1):c.3060C>T (p.Asn1020=)

Gene: SOS1 (SOS Ras/Rac guanine nucleotide exchange factor 1; minus strand). Cytogenetic location: 2p22.1.
Variant type: single nucleotide variant.
Coding change: c.3060C>T on transcript NM_005633.4 (MANE Select); coding-DNA position 3060, C replaced by T.
Protein change: p.Asn1020=; no amino-acid change (asparagine 1020 retained).
Molecular consequence: synonymous variant.
Genome position (GRCh38, 1-based): chr2:38,996,943, G>A on the plus strand (C>T on the coding strand, the complement: SOS1 is on the minus strand). VCF-style: chr2-38996943-G-A. GRCh37 (hg19) VCF-style: chr2-39224084-G-A.
Other names: c.3039C>T, p.Asn1013= (NM_001382394.1); c.3060C>T, p.Asn1020= (NM_001382395.1).
Identifiers: ClinVar variation 227956 (VCV000227956.24), dbSNP rs142431345, ClinGen allele CA1624276.

ClinVar aggregate classification (germline): Likely benign. Review status: criteria provided, multiple submitters, no conflicts (2 of 4 stars). 9 submissions from 8 submitters: Likely benign (8). 1 of the submissions does not count toward it. Last evaluated 2025-12-08.

Conditions:
Noonan syndrome and Noonan-related syndrome. Identifiers: Orphanet 98733, MedGen C5681679, MONDO:0020297.
Cardiovascular phenotype. Identifiers: MedGen CN230736.
RASopathy. Also called: rasopathies; Noonan spectrum disorder. Identifiers: Orphanet 536391, MedGen C5555857, MONDO:0021060.
Fibromatosis, gingival, 1 (GINGF1). Identifiers: Orphanet 2024, MedGen C4551558, MONDO:0007609, OMIM 135300.
Noonan syndrome 4 (NS4). Also called: NOONAN SYNDROME WITH PIGMENTED VILLONODULAR SYNOVITIS; SOS1-Related Noonan Syndrome. Identifiers: Orphanet 648, MedGen C1853120, MONDO:0012547, OMIM 610733.
SOS1-related disorder. Also called: SOS1-related condition.

Allele frequency attached by ClinVar (database versions not stated): gnomAD 0.00002 and 0.00001; TOPMed 0.00002; gnomAD exomes 0.00003 and 0.00001; 1000 Genomes Project 30x 0.00016; 1000 Genomes Project 0.00020; ExAC 0.00001.
gnomAD v4.1: 15 of 1,570,732 alleles (0.00095%); highest among the groups gnomAD compares: East Asian, 0.034%; no homozygotes.

Submissions (9):

Labcorp Genetics (formerly Invitae), Labcorp
Classification: Likely benign for RASopathy. Last evaluated: 2025-12-08. Review status: criteria provided, single submitter. Criteria: Invitae Variant Classification Sherloc (09022015). Collection method: clinical testing. Allele origin: germline.

Ambry Genetics
Classification: Likely benign for Cardiovascular phenotype. Last evaluated: 2021-02-09. Review status: criteria provided, single submitter. Criteria: Ambry Variant Classification Scheme 2023. Collection method: clinical testing. Allele origin: germline.

Genome Diagnostics Laboratory, The Hospital for Sick Children
Classification: Likely benign for Noonan syndrome and Noonan-related syndrome. Last evaluated: 2021-01-04. Review status: criteria provided, single submitter. Criteria: ACMG Guidelines, 2015. Collection method: clinical testing. Allele origin: germline.

Blueprint Genetics
Classification: Likely benign. Last evaluated: 2020-05-25. Review status: criteria provided, single submitter. Criteria: ACMG Guidelines, 2015. Collection method: clinical testing. Allele origin: germline.

Women's Health and Genetics/Laboratory Corporation of America, LabCorp
Classification: Likely benign. Last evaluated: 2019-11-16. Review status: criteria provided, single submitter. Criteria: LabCorp Variant Classification Summary - May 2015. Collection method: clinical testing. Allele origin: germline.

Laboratory for Molecular Medicine, Mass General Brigham Personalized Medicine
Classification: Likely benign. Last evaluated: 2015-02-26. Review status: criteria provided, single submitter. Criteria: LMM Criteria. Collection method: clinical testing. Allele origin: germline. Observed: 1 variant allele.
Comment: p.Asn1020Asn in exon 19 of SOS1: This variant is not expected to have clinical s ignificance because it does not alter an amino acid residue and is not located w ithin the splice consensus sequence. It has been identified in 1/8624 East Asian chromosomes by the Exome Aggregation Consortium (ExAC; dbSNP rs142431345).

Genome-Nilou Lab
Classification: Likely benign for Noonan syndrome 4. Review status: criteria provided, single submitter. Criteria: ACMG Guidelines, 2015. Collection method: clinical testing. Allele origin: germline.

Genome-Nilou Lab
Classification: Likely benign for Fibromatosis, gingival, 1. Review status: criteria provided, single submitter. Criteria: ACMG Guidelines, 2015. Collection method: clinical testing. Allele origin: germline.

PreventionGenetics, part of Exact Sciences
Classification: Likely benign for SOS1-related condition. Last evaluated: 2022-06-22. Review status: no assertion criteria provided. Collection method: clinical testing. Allele origin: germline. Not counted in ClinVar's aggregate classification.
Comment: This variant is classified as likely benign based on ACMG/AMP sequence variant interpretation guidelines (Richards et al. 2015 PMID: 25741868, with internal and published modifications).